The following is an entry in ClinVar:

ClinVar aggregate classification (germline): Uncertain significance (1 of 4 stars; one submission).

Allele frequency attached by ClinVar (database versions not stated): ExAC 0.00001; gnomAD 0.00001; TOPMed 0.00002; gnomAD exomes 0.00005.
gnomAD v4.1: 69 of 1,614,098 alleles (0.0043%); highest among the groups gnomAD compares: Non-Finnish European, 0.0058%; no homozygotes.

Submission:

Labcorp Genetics (formerly Invitae), Labcorp
Classification: Uncertain significance. Last evaluated: 2023-12-21. Review status: criteria provided, single submitter. Criteria: Invitae Variant Classification Sherloc (09022015). Collection method: clinical testing. Allele origin: germline.
Comment: This sequence change replaces serine, which is neutral and polar, with phenylalanine, which is neutral and non-polar, at codon 692 of the BRD4 protein (p.Ser692Phe). This variant is present in population databases (rs200802400, gnomAD 0.005%). This variant has not been reported in the literature in individuals affected with BRD4-related conditions. Advanced modeling of protein sequence and biophysical properties (such as structural, functional, and spatial information, amino acid conservation, physicochemical variation, residue mobility, and thermodynamic stability) performed at Invitae indicates that this missense variant is not expected to disrupt BRD4 protein function with a negative predictive value of 80%. In summary, the available evidence is currently insufficient to determine the role of this variant in disease. Therefore, it has been classified as a Variant of Uncertain Significance.

NM_001379291.1(BRD4):c.2075C>T (p.Ser692Phe)

Gene: BRD4 (bromodomain containing 4; minus strand). Cytogenetic location: 19p13.12.
Variant type: single nucleotide variant.
Coding change: c.2075C>T on transcript NM_001379291.1 (MANE Select); coding-DNA position 2075, C replaced by T.
Protein change: p.Ser692Phe; replaces serine 692 with phenylalanine.
Molecular consequence: missense variant.
Genome position (GRCh38, 1-based): chr19:15,254,235, G>A on the plus strand (C>T on the coding strand, the complement: BRD4 is on the minus strand). VCF-style: chr19-15254235-G-A. GRCh37 (hg19) VCF-style: chr19-15365046-G-A.
Other names: c.2075C>T, p.Ser692Phe (NM_001330384.2, NM_001379292.1, NM_014299.3 and 1 more transcripts); short protein forms S692F.
Identifiers: ClinVar variation 3016068 (VCV003016068.1), dbSNP rs200802400, ClinGen allele CA9265207.
Genomic context (GRCh38, chr19:15,254,235, plus strand): 5'-GAGGAGCTGGACTCACTGGAGCTCTCCGACTCTGAGGACGAGAAGCCCTTCATCTTGGAG[G>A]AGCCGGCAATCACATCAACTTTCTCAGCTGCAATCCAAGCAATGGGAGCTGGTCAGGCAG-3'
Protein context (NP_001366220.1, residues 682-702): QAEKVDVIAG[Ser692Phe]SKMKGFSSSE